The following is an entry in ClinVar:

ClinVar aggregate classification (germline): Uncertain significance. Review status: reviewed by expert panel (3 of 4 stars). 2 submissions from 2 submitters: Uncertain significance (1). 1 of the submissions does not count toward it. Last evaluated 2023-09-01.

Conditions:
Monogenic diabetes. Identifiers: Orphanet 183625, MedGen C3888631, MONDO:0015967.
Maturity-onset diabetes of the young (MODY). Also called: Maturity onset diabetes mellitus in young. Identifiers: Orphanet 552, MedGen C0342276, MONDO:0018911, HP:0004904.

Submissions (2):

ClinGen Monogenic Diabetes Variant Curation Expert Panel
Classification: Uncertain significance for Monogenic diabetes. Last evaluated: 2023-09-01. Review status: reviewed by expert panel. Criteria: ClinGen Monogenic Diabetes ACMG Specifications HNF4A V1.1.0. Collection method: curation. Allele origin: germline. Inheritance: Autosomal dominant inheritance.
Comment: The c.305G>A variant in the HNF4 homeobox A gene, HNF4A, causes an amino acid change of glycine to aspartic acid at codon 102 (p.(Gly102Asp)) of NM_175914.5. This variant is located within the DNA binding domain (codons 37-113) of HNF4A, which is defined as critical for the protein’s function by the ClinGen MDEP (PM1_Supporting). This variant failed QC in gnomAD exomes and is absent in gnomAD genomes, BRAVO genomes, Geisinger exomes, and UKBB exomes (PM2_Supporting). Another missense variant, c.304G>A p.(Gly102Ser), has been classified as likely pathogenic by the ClinGen MDEP (PM5_Supporting). This variant is predicted to be deleterious by computational evidence, with a REVEL score of 0.9689, which is greater than the MDEP VCEP threshold of 0.70 (PP3). In summary, c.305G>A meets the criteria to be classified as a variant of uncertain significance for monogenic diabetes. ACMG/AMP criteria applied, as specified by the ClinGen MDEP (specification version 1.1.0, approved 8/11/2023): PM1_Supporting, PM2_Supporting, PM5_Supporting, PP3, PP4.

Ambry Genetics
Classification: Uncertain significance for Maturity-onset diabetes of the young. Last evaluated: 2022-07-20. Review status: criteria provided, single submitter. Criteria: Ambry Variant Classification Scheme 2023. Collection method: clinical testing. Allele origin: germline. Not counted in ClinVar's aggregate classification.
Comment: The p.G102D variant (also known as c.305G>A), located in coding exon 3 of the HNF4A gene, results from a G to A substitution at nucleotide position 305. The glycine at codon 102 is replaced by aspartic acid, an amino acid with similar properties. This amino acid position is highly conserved in available vertebrate species. In addition, this alteration is predicted to be deleterious by in silico analysis. Since supporting evidence is limited at this time, the clinical significance of this alteration remains unclear.

NM_175914.5(HNF4A):c.305G>A (p.Gly102Asp)

Gene: HNF4A (hepatocyte nuclear factor 4 alpha; plus strand). Cytogenetic location: 20q13.12.
Variant type: single nucleotide variant.
Coding change: c.305G>A on transcript NM_175914.5 (MANE Select); coding-DNA position 305, G replaced by A.
Protein change: p.Gly102Asp; replaces glycine 102 with aspartic acid.
Molecular consequence: missense variant.
Genome position (GRCh38, 1-based): chr20:44,407,461, G>A. VCF-style: chr20-44407461-G-A. GRCh37 (hg19) VCF-style: chr20-43036101-G-A.
Other names: NM_175914.5(HNF4A):c.305G>A; p.Gly102Asp; c.371G>A, p.Gly124Asp (NM_000457.6, NM_178849.3, NM_178850.3); c.305G>A, p.Gly102Asp (NM_001030003.3, NM_001030004.3); c.350G>A, p.Gly117Asp (NM_001258355.2); c.296G>A, p.Gly99Asp (NM_001287182.2, NM_001287183.2, NM_001287184.2); short protein forms G102D, G117D, G124D, G99D.
Identifiers: ClinVar variation 1799350 (VCV001799350.3), dbSNP rs1396612785, ClinGen allele CA409104379.